The following is an entry in ClinVar:

ClinVar aggregate classification (germline): Uncertain significance (1 of 4 stars; one submission).

Conditions:
Hereditary cancer-predisposing syndrome. Also called: Neoplastic Syndromes, Hereditary; Tumor predisposition; Hereditary neoplastic syndrome; Hereditary Cancer Syndrome. Identifiers: Orphanet 140162, MedGen C0027672, MeSH D009386, MONDO:0015356.

Submission:

Ambry Genetics
Classification: Uncertain significance for Hereditary cancer-predisposing syndrome. Last evaluated: 2018-11-29. Review status: criteria provided, single submitter. Criteria: Ambry Variant Classification Scheme 2023. Collection method: clinical testing. Allele origin: germline.
Comment: The p.E1157G variant (also known as c.3470A>G), located in coding exon 15 of the APC gene, results from an A to G substitution at nucleotide position 3470. The glutamic acid at codon 1157 is replaced by glycine, an amino acid with similar properties. This amino acid position is well conserved in available vertebrate species. In addition, in silico predictors for this gene do not accurately predict pathogenicity. Since supporting evidence is limited at this time, the clinical significance of this alteration remains unclear.

NM_000038.6(APC):c.3470A>G (p.Glu1157Gly)

Gene: APC (APC regulator of Wnt signaling pathway; plus strand). Cytogenetic location: 5q22.2.
Variant type: single nucleotide variant.
Coding change: c.3470A>G on transcript NM_000038.6 (MANE Select); coding-DNA position 3470, A replaced by G.
Protein change: p.Glu1157Gly; replaces glutamic acid 1157 with glycine.
Molecular consequence: missense variant.
Genome position (GRCh38, 1-based): chr5:112,839,064, A>G. VCF-style: chr5-112839064-A-G. GRCh37 (hg19) VCF-style: chr5-112174761-A-G.
Other names: c.3470A>G, p.Glu1157Gly (NM_001127510.3, NM_001354895.2); c.3416A>G, p.Glu1139Gly (NM_001127511.3); c.3524A>G, p.Glu1175Gly (NM_001354896.2); c.3500A>G, p.Glu1167Gly (NM_001354897.2); c.3395A>G, p.Glu1132Gly (NM_001354898.2); c.3386A>G, p.Glu1129Gly (NM_001354899.2); c.3347A>G, p.Glu1116Gly (NM_001354900.2); c.3293A>G, p.Glu1098Gly (NM_001354901.2); and 5 more; short protein forms E1139G, E1031G, E1066G, E1098G, E1129G, E1056G, E1116G, E1132G.
Identifiers: ClinVar variation 823811 (VCV000823811.4), dbSNP rs1580635850, ClinGen allele CA16028950.
Genomic context (GRCh38, chr5:112,839,064, plus strand): 5'-ATGATAAGCCTACCAATTATAGTGAACGTTACTCTGAAGAAGAACAGCATGAAGAAGAAG[A>G]GAGACCAACAAATTATAGCATAAAATATAATGAAGAGAAACGTCATGTGGATCAGCCTAT-3'
Protein context (NP_000029.2, residues 1147-1167): YSEEEQHEEE[Glu1157Gly]RPTNYSIKYN